The following is an entry in ClinVar:

NM_004168.4(SDHA):c.10del (p.Val4fs)

Gene: SDHA (succinate dehydrogenase complex flavoprotein subunit A; plus strand). Cytogenetic location: 5p15.33.
Variant type: Deletion.
Coding change: c.10del on transcript NM_004168.4 (MANE Select); coding-DNA position 10, one base deleted (G; older notation c.10delG).
Protein change: p.Val4fs; shifts the reading frame from valine 4.
Molecular consequence: frameshift variant.
Genome position (GRCh38, 1-based): chr5:218,365, G deleted; the last of 5 consecutive G bases (chr5:218,361-218,365); deleting any one gives the same sequence. VCF-style (leftmost placement, unchanged base first): chr5-218360-CG-C. GRCh37 (hg19) VCF-style: chr5-218475-CG-C.
Other names: c.10del, p.Val4fs (NM_001294332.2, NM_001330758.2); short protein forms V4fs.
Identifiers: ClinVar variation 3223709 (VCV003223709.1), dbSNP rs2126522171, ClinGen allele CA2672967455.

ClinVar aggregate classification (germline): Pathogenic (1 of 4 stars; one submission).

Conditions:
Hereditary cancer-predisposing syndrome. Also called: Tumor predisposition; Hereditary neoplastic syndrome; Hereditary Cancer Syndrome; Neoplastic Syndromes, Hereditary. Identifiers: Orphanet 140162, MedGen C0027672, MeSH D009386, MONDO:0015356.

Submission:

Ambry Genetics
Classification: Pathogenic for Hereditary cancer-predisposing syndrome. Last evaluated: 2023-10-21. Review status: criteria provided, single submitter. Criteria: Ambry Variant Classification Scheme 2023. Collection method: clinical testing. Allele origin: germline.
Comment: The c.10delG pathogenic mutation, located in coding exon 1 of the SDHA gene, results from a deletion of one nucleotide at nucleotide position 10, causing a translational frameshift with a predicted alternate stop codon (p.V4Sfs*8). This alteration is expected to result in loss of function by premature protein truncation or nonsense-mediated mRNA decay. As such, this alteration is interpreted as a disease-causing mutation.